The following is an entry in ClinVar:

NM_005630.3(SLCO2A1):c.296G>A (p.Arg99His)

Gene: SLCO2A1 (solute carrier organic anion transporter family member 2A1; minus strand). Cytogenetic location: 3q22.1.
Variant type: single nucleotide variant.
Coding change: c.296G>A on transcript NM_005630.3 (MANE Select); coding-DNA position 296, G replaced by A.
Protein change: p.Arg99His; replaces arginine 99 with histidine.
Molecular consequence: missense variant.
Genome position (GRCh38, 1-based): chr3:133,973,764, C>T on the plus strand (G>A on the coding strand, the complement: SLCO2A1 is on the minus strand). VCF-style: chr3-133973764-C-T. GRCh37 (hg19) VCF-style: chr3-133692608-C-T.
Other names: short protein forms R99H.
Identifiers: ClinVar variation 4694198 (VCV004694198.1).

ClinVar aggregate classification (germline): Uncertain significance (1 of 4 stars; one submission).

gnomAD v4.1: 165 of 1,613,922 alleles (0.01%); highest among the groups gnomAD compares: South Asian, 0.023%; 1 homozygote.

Submission:

Labcorp Genetics (formerly Invitae), Labcorp
Classification: Uncertain significance. Last evaluated: 2025-10-21. Review status: criteria provided, single submitter. Criteria: Invitae Variant Classification Sherloc (09022015). Collection method: clinical testing. Allele origin: germline.
Comment: This sequence change replaces arginine, which is basic and polar, with histidine, which is basic and polar, at codon 99 of the SLCO2A1 protein (p.Arg99His). This variant is present in population databases (rs192851611, gnomAD 0.03%). This variant has not been reported in the literature in individuals affected with SLCO2A1-related conditions. Invitae Evidence Modeling of protein sequence and biophysical properties (such as structural, functional, and spatial information, amino acid conservation, physicochemical variation, residue mobility, and thermodynamic stability) has been performed for this missense variant. However, the output from this modeling did not meet the statistical confidence thresholds required to predict the impact of this variant on SLCO2A1 protein function. In summary, the available evidence is currently insufficient to determine the role of this variant in disease. Therefore, it has been classified as a Variant of Uncertain Significance.